The following is an entry in ClinVar:

ClinVar aggregate classification (germline): Likely pathogenic (0 of 4 stars; one submission).

Conditions:
TRIO-related disorder. Also called: TRIO-related disorders; TRIO-related condition.

Submission:

PreventionGenetics, part of Exact Sciences
Classification: Likely pathogenic for TRIO-related condition. Last evaluated: 2023-11-15. Review status: no assertion criteria provided. Collection method: clinical testing. Allele origin: germline.
Comment: The TRIO c.7149dupC variant is predicted to result in a frameshift and premature protein termination (p.Glu2384Argfs*57). To our knowledge, this variant has not been reported in the literature or in a large population database, indicating this variant is rare. Frameshift variants in TRIO are expected to be pathogenic. This variant is interpreted as likely pathogenic.

NM_007118.4(TRIO):c.7149dup (p.Glu2384fs)

Gene: TRIO (trio Rho guanine nucleotide exchange factor; plus strand). Cytogenetic location: 5p15.2.
Variant type: Duplication.
Coding change: c.7149dup on transcript NM_007118.4 (MANE Select); coding-DNA position 7149, one base duplicated (C; older notation c.7149dupC).
Protein change: p.Glu2384fs; shifts the reading frame from glutamic acid 2384.
Molecular consequence: frameshift variant.
Genome position (GRCh38, 1-based): chr5:14,487,777, C duplicated; the last of 5 consecutive C bases (chr5:14,487,773-14,487,777); duplicating any one gives the same sequence. VCF-style (leftmost placement, unchanged base first): chr5-14487772-G-GC. GRCh37 (hg19) VCF-style: chr5-14487881-G-GC.
Other names: short protein forms E2384fs.
Identifiers: ClinVar variation 3030840 (VCV003030840.2), dbSNP rs1227524890, ClinGen allele CA2673294882.